The following is an entry in ClinVar:

NM_004415.4(DSP):c.1653_1660del (p.Tyr552fs)

Gene: DSP (desmoplakin; plus strand). Cytogenetic location: 6p24.3.
Variant type: Deletion.
Coding change: c.1653_1660del on transcript NM_004415.4 (MANE Select); coding-DNA positions 1653 to 1660, 8 bases deleted (CTACTGCA; older notation c.1653_1660delCTACTGCA).
Protein change: p.Tyr552fs; shifts the reading frame from tyrosine 552.
Molecular consequence: frameshift variant.
Genome position (GRCh38, 1-based): chr6:7,570,515-7,570,522, CTACTGCA deleted; deleting any 8 consecutive bases within chr6:7,570,512-7,570,522 gives the same sequence; the c. name uses the placement nearest the transcript's 3' end. VCF-style (leftmost placement, unchanged base first): chr6-7570511-GGCACTACT-G. GRCh37 (hg19) VCF-style: chr6-7570744-GGCACTACT-G.
Other names: c.1653_1660del, p.Tyr552fs (NM_001008844.3, NM_001319034.2); short protein forms Y552fs.
Identifiers: ClinVar variation 5002806 (VCV005002806.1).

ClinVar aggregate classification (germline): Likely pathogenic (1 of 4 stars; one submission).

Conditions:
Arrhythmogenic right ventricular dysplasia 8 (ARVD8). Also called: Arrhythmogenic Right Ventricular Dysplasia/Cardiomyopathy 8; ARRHYTHMOGENIC RIGHT VENTRICULAR DYSPLASIA, FAMILIAL, 8; ARRHYTHMOGENIC RIGHT VENTRICULAR CARDIOMYOPATHY 8. Identifiers: MedGen C1843896, MONDO:0011831, OMIM 607450.

Submission:

OLLIN Analises Genomicas, OLLIN
Classification: Likely pathogenic for Arrhythmogenic right ventricular dysplasia 8. Last evaluated: 2026-08-06. Review status: criteria provided, single submitter. Criteria: ACMG Guidelines 2015 PMID 25741868. Collection method: clinical testing. Allele origin: germline. Inheritance: Autosomal dominant inheritance.
Comment: This frameshift variant, located in exon 13 (of 24), is absent from gnomAD and ClinVar and has not been identified in the literature. This variant causes a frameshift and introduces a premature stop codon, which is predicted to result in either a truncated protein or degradation of the mRNA via nonsense-mediated decay (NMD). According to the currently available evidence, this variant has been classified as likely pathogenic (PVS1, PM2_P).